The following is an entry in ClinVar:

ClinVar aggregate classification (germline): Uncertain significance (1 of 4 stars; one submission).

Conditions:
Hereditary cancer-predisposing syndrome. Also called: Tumor predisposition; Neoplastic Syndromes, Hereditary; Hereditary Cancer Syndrome; Hereditary neoplastic syndrome. Identifiers: Orphanet 140162, MedGen C0027672, MeSH D009386, MONDO:0015356.

Submission:

Ambry Genetics
Classification: Uncertain significance for Hereditary cancer-predisposing syndrome. Last evaluated: 2019-05-23. Review status: criteria provided, single submitter. Criteria: Ambry Variant Classification Scheme 2023. Collection method: clinical testing. Allele origin: germline.
Comment: The p.L2623H variant (also known as c.7868T>A), located in coding exon 52 of the ATM gene, results from a T to A substitution at nucleotide position 7868. The leucine at codon 2623 is replaced by histidine, an amino acid with similar properties. This amino acid position is highly conserved in available vertebrate species. In addition, this alteration is predicted to be deleterious by in silico analysis. Since supporting evidence is limited at this time, the clinical significance of this alteration remains unclear.

NM_000051.4(ATM):c.7868T>A (p.Leu2623His)

Genes: ATM (ATM serine/threonine kinase; plus strand), C11orf65 (chromosome 11 open reading frame 65; minus strand). Cytogenetic location: 11q22.3.
Variant type: single nucleotide variant.
Coding change: c.7868T>A on transcript NM_000051.4 (MANE Select); coding-DNA position 7868, T replaced by A.
Protein change: p.Leu2623His; replaces leucine 2623 with histidine.
Molecular consequence: missense variant. On other transcripts: intron variant (2).
Genome position (GRCh38, 1-based): chr11:108,332,841, T>A. VCF-style: chr11-108332841-T-A. GRCh37 (hg19) VCF-style: chr11-108203568-T-A.
Other names: c.7868T>A, p.Leu2623His (NM_001351834.2); c.641-23770A>T (NM_001330368.2); c.*38+2379A>T (NM_001351110.2); short protein forms L2623H.
Identifiers: ClinVar variation 827298 (VCV000827298.6), dbSNP rs1591178731, ClinGen allele CA382561406.
Genomic context (GRCh38, chr11:108,332,841, plus strand): 5'-ATAGAATAATATGTACTATCAGAAGTAGGAGACCTCAGATGGTCAGAAGTGTTGAGGCAC[T>A]TTGTGATGCTTATATTATATTAGCAAACTTAGATGCCACTCAGTGGAAGACTCAGAGAAG-3'
Protein context (NP_000042.3, residues 2613-2633): RPQMVRSVEA[Leu2623His]CDAYIILANL